The following is an entry in ClinVar:

ClinVar aggregate classification (germline): Benign (1 of 4 stars; one submission).

Allele frequency attached by ClinVar (database versions not stated): 1000 Genomes Project 30x 0.01218; gnomAD exomes 0.01241; gnomAD 0.01923; ExAC 0.02006.
gnomAD v4.1: 20,162 of 1,558,164 alleles (1.3%); highest among the groups gnomAD compares: Non-Finnish European, 1.2%; 182 homozygotes.

Submission:

CeGaT Center for Human Genetics Tuebingen
Classification: Benign. Last evaluated: 2024-12-01. Review status: criteria provided, single submitter. Criteria: CeGaT Center For Human Genetics Tuebingen Variant Classification Criteria Version 2. Collection method: clinical testing. Allele origin: germline. Affected: yes. Observed: 9 variant alleles.
Comment: C4A: BP4, BS1, BS2

NM_007293.3(C4A):c.3505-8T>C

Gene: C4A (complement C4A (Chido/Rodgers blood group); plus strand). Cytogenetic location: 6p21.33.
Variant type: single nucleotide variant.
Coding change: c.3505-8T>C on transcript NM_007293.3 (MANE Select); 8 bases into the intron before coding-DNA position 3505, T replaced by C.
Molecular consequence: intron variant.
Genome position (GRCh38, 1-based): chr6:31,996,421, T>C. VCF-style: chr6-31996421-T-C. GRCh37 (hg19) VCF-style: chr6-31964198-T-C.
Other names: c.3505-8T>C (NM_001252204.2).
Identifiers: ClinVar variation 2656435 (VCV002656435.24), dbSNP rs202174524, ClinGen allele CA3731067.